The following is an entry in ClinVar:

ClinVar aggregate classification (germline): Uncertain significance (1 of 4 stars; one submission).

Conditions:
Inborn genetic diseases. Identifiers: MedGen C0950123, MeSH D030342.

Submission:

Ambry Genetics
Classification: Uncertain significance for Inborn genetic diseases. Last evaluated: 2026-03-12. Review status: criteria provided, single submitter. Criteria: Ambry Variant Classification Scheme 2023. Collection method: clinical testing. Allele origin: germline.
Comment: The p.A197V variant (also known as c.590C>T), located in coding exon 4 of the KDM1A gene, results from a C to T substitution at nucleotide position 590. The alanine at codon 197 is replaced by valine, an amino acid with similar properties. This amino acid position is conserved. In addition, the in silico prediction for this alteration is inconclusive. Based on the available evidence, the clinical significance of this variant remains unclear.

NM_001009999.3(KDM1A):c.590C>T (p.Ala197Val)

Gene: KDM1A (lysine demethylase 1A; plus strand). Cytogenetic location: 1p36.12.
Variant type: single nucleotide variant.
Coding change: c.590C>T on transcript NM_001009999.3 (MANE Select); coding-DNA position 590, C replaced by T.
Protein change: p.Ala197Val; replaces alanine 197 with valine.
Molecular consequence: missense variant.
Genome position (GRCh38, 1-based): chr1:23,050,399, C>T. VCF-style: chr1-23050399-C-T. GRCh37 (hg19) VCF-style: chr1-23376892-C-T.
Other names: c.530C>T, p.Ala177Val (NM_001363654.2, NM_001410763.1, NM_015013.4); c.590C>T, p.Ala197Val (NM_001410762.1); short protein forms A197V, A177V.
Identifiers: ClinVar variation 4826126 (VCV004826126.1).
Genomic context (GRCh38, chr1:23,050,399, plus strand): 5'-TTGTATTCACTTGCACTTTTCCTAGATGTCCTTTGCTTTCTTCGTTAGGTGTGGAGGGCG[C>T]AGCTTTCCAGAGCCGACTTCCTCATGACCGGATGACTTCTCAAGAAGCAGCCTGTTTTCC-3'
Protein context (NP_001009999.1, residues 187-207): GDGQASGVEG[Ala197Val]AFQSRLPHDR